The following is an entry in ClinVar:

ClinVar aggregate classification (germline): Uncertain significance (1 of 4 stars; one submission).

Submission:

Labcorp Genetics (formerly Invitae), Labcorp
Classification: Uncertain significance. Last evaluated: 2026-01-15. Review status: criteria provided, single submitter. Criteria: Invitae Variant Classification Sherloc (09022015). Collection method: clinical testing. Allele origin: germline.
Comment: This sequence change replaces arginine, which is basic and polar, with histidine, which is basic and polar, at codon 75 of the GHSR protein (p.Arg75His). This variant is not present in population databases (gnomAD no frequency). This variant has not been reported in the literature in individuals affected with GHSR-related conditions. Invitae Evidence Modeling of protein sequence and biophysical properties (such as structural, functional, and spatial information, amino acid conservation, physicochemical variation, residue mobility, and thermodynamic stability) indicates that this missense variant is not expected to disrupt GHSR protein function with a negative predictive value of 80%. In summary, the available evidence is currently insufficient to determine the role of this variant in disease. Therefore, it has been classified as a Variant of Uncertain Significance.

NM_198407.2(GHSR):c.224G>A (p.Arg75His)

Gene: GHSR (growth hormone secretagogue receptor; minus strand). Cytogenetic location: 3q26.31.
Variant type: single nucleotide variant.
Coding change: c.224G>A on transcript NM_198407.2 (MANE Select); coding-DNA position 224, G replaced by A.
Protein change: p.Arg75His; replaces arginine 75 with histidine.
Molecular consequence: missense variant.
Genome position (GRCh38, 1-based): chr3:172,448,190, C>T on the plus strand (G>A on the coding strand, the complement: GHSR is on the minus strand). VCF-style: chr3-172448190-C-T. GRCh37 (hg19) VCF-style: chr3-172165980-C-T.
Other names: c.224G>A, p.Arg75His (NM_004122.2); short protein forms R75H.
Identifiers: ClinVar variation 4743655 (VCV004743655.1).